The following is an entry in ClinVar:

NM_016553.5(NUP62):c.836CCA[3] (p.Thr282del)

Genes: IL4I1 (interleukin 4 induced 1; minus strand), NUP62 (nucleoporin 62; minus strand). Cytogenetic location: 19q13.33.
Variant type: Microsatellite.
Coding change: c.836CCA[3] on transcript NM_016553.5 (MANE Select); three copies in a row of the 3-base unit CCA starting at c.836; the reference has four copies in a row; one copy, 3 bases deleted.
Protein change: p.Thr282del; deletes threonine 282.
Molecular consequence: inframe deletion. On other transcripts: intron variant (3).
Genome position (GRCh38, 1-based): chr19:49,908,961-49,908,963, TGG deleted on the plus strand (CCA on the coding strand, the reverse complement: NUP62 is on the minus strand); deleting any 3 consecutive bases within chr19:49,908,961-49,908,972 gives the same sequence; the position shown is the placement nearest the transcript's 3' end. VCF-style (leftmost placement, unchanged base first): chr19-49908960-CTGG-C. GRCh37 (hg19) VCF-style: chr19-50412217-CTGG-C.
Other names: c.836CCA[3], p.Thr282del (NM_153719.4, NM_001193357.2, NM_012346.5 and 1 more transcripts); c.-227-4651CCA[3] (NM_001258017.2, NM_172374.3); c.-285-4651CCA[3] (NM_001258018.2); short protein forms T282del.
Identifiers: ClinVar variation 1912394 (VCV001912394.4), dbSNP rs746663980, ClinGen allele CA9589011.

ClinVar aggregate classification (germline): Uncertain significance (1 of 4 stars; one submission).

Submission:

Labcorp Genetics (formerly Invitae), Labcorp
Classification: Uncertain significance. Last evaluated: 2023-07-10. Review status: criteria provided, single submitter. Criteria: Invitae Variant Classification Sherloc (09022015). Collection method: clinical testing. Allele origin: germline.
Comment: In summary, the available evidence is currently insufficient to determine the role of this variant in disease. Therefore, it has been classified as a Variant of Uncertain Significance. Experimental studies and prediction algorithms are not available or were not evaluated, and the functional significance of this variant is currently unknown. This variant has not been reported in the literature in individuals affected with NUP62-related conditions. This variant is present in population databases (rs746663980, gnomAD 0.02%). This variant, c.845_847del, results in the deletion of 1 amino acid(s) of the NUP62 protein (p.Thr282del), but otherwise preserves the integrity of the reading frame.